The following is an entry in ClinVar:

NM_001267550.2(TTN):c.46428_46429+7delinsG

Genes: TTN (titin; minus strand), TTN-AS1 (TTN antisense RNA 1; plus strand). Cytogenetic location: 2q31.2.
Variant type: Indel.
Coding change: c.46428_46429+7delinsG on transcript NM_001267550.2 (MANE Select); coding-DNA position 46428 through 7 bases into the intron after coding-DNA position 46429, AGGTACATA replaced by G.
Molecular consequence: splice donor variant. On other transcripts: non-coding transcript variant (1).
Genome position (GRCh38, 1-based): chr2:178,619,981-178,619,989, TATGTACCT replaced by C on the plus strand (AGGTACATA replaced by G on the coding strand, the reverse complement: TTN is on the minus strand). VCF-style: chr2-178619981-TATGTACCT-C. GRCh37 (hg19) VCF-style: chr2-179484708-TATGTACCT-C.
Other names: c.41505_41506+7delinsG (NM_001256850.1); c.19809_19810+7delinsG (NM_133437.4); c.19608_19609+7delinsG (NM_133432.3); c.38724_38725+7delinsG (NM_133378.4); c.19233_19234+7delinsG (NM_003319.4).
Identifiers: ClinVar variation 2582985 (VCV002582985.25), dbSNP rs2470981983, ClinGen allele CA2582342040.
Genomic context (GRCh38, chr2:178,619,981, plus strand): 5'-TTTACATTTTGATTAACAATTTTAAAAAATTGGTAACATTAGAATTGTTTTTTCACTTAA[TATGTACCT>C]TCCACAAAAAGTCTAGCACGAGACTTCCTGTCTTCTACCCCGCAAGCATATTCACACTCA-3'

ClinVar aggregate classification (germline): Likely pathogenic (1 of 4 stars; one submission).

Submission:

CeGaT Center for Human Genetics Tuebingen
Classification: Likely pathogenic. Last evaluated: 2026-01-01. Review status: criteria provided, single submitter. Criteria: CeGaT Center For Human Genetics Tuebingen Variant Classification Criteria Version 2. Collection method: clinical testing. Allele origin: germline. Affected: yes. Observed: 2 variant alleles.
Comment: TTN: PVS1:Strong, PM2